The following is an entry in ClinVar:

NM_014003.4(DHX38):c.2065G>T (p.Ala689Ser)

Gene: DHX38 (DEAH-box helicase 38; plus strand). Cytogenetic location: 16q22.2.
Variant type: single nucleotide variant.
Coding change: c.2065G>T on transcript NM_014003.4 (MANE Select); coding-DNA position 2065, G replaced by T.
Protein change: p.Ala689Ser; replaces alanine 689 with serine.
Molecular consequence: missense variant.
Genome position (GRCh38, 1-based): chr16:72,104,540, G>T. VCF-style: chr16-72104540-G-T. GRCh37 (hg19) VCF-style: chr16-72138439-G-T.
Other names: short protein forms A689S.
Identifiers: ClinVar variation 1013901 (VCV001013901.10), dbSNP rs1408544161, ClinGen allele CA396710654.

ClinVar aggregate classification (germline): Uncertain significance. Review status: criteria provided, multiple submitters, no conflicts (2 of 4 stars). 2 submissions from 2 submitters: Uncertain significance (2). Last evaluated 2022-04-11.

Conditions:
Retinitis pigmentosa 84 (RP84). Identifiers: MedGen C4748725, MONDO:0032604, OMIM 618220.

Allele frequency attached by ClinVar (database versions not stated): gnomAD 0.00001; TOPMed 0.00001.

Submissions (2):

Fulgent Genetics
Classification: Uncertain significance for Retinitis pigmentosa 84. Last evaluated: 2022-04-11. Review status: criteria provided, single submitter. Criteria: ACMG Guidelines, 2015. Collection method: clinical testing. Allele origin: unknown.

Labcorp Genetics (formerly Invitae), Labcorp
Classification: Uncertain significance. Last evaluated: 2020-02-08. Review status: criteria provided, single submitter. Criteria: Invitae Variant Classification Sherloc (09022015). Collection method: clinical testing. Allele origin: germline.
Comment: Algorithms developed to predict the effect of missense changes on protein structure and function (SIFT, PolyPhen-2, Align-GVGD) all suggest that this variant is likely to be tolerated, but these predictions have not been confirmed by published functional studies and their clinical significance is uncertain. In summary, the available evidence is currently insufficient to determine the role of this variant in disease. Therefore, it has been classified as a Variant of Uncertain Significance. This variant is not present in population databases (ExAC no frequency). This variant has not been reported in the literature in individuals with DHX38-related conditions. This sequence change replaces alanine with serine at codon 689 of the DHX38 protein (p.Ala689Ser). The alanine residue is highly conserved and there is a moderate physicochemical difference between alanine and serine.